The following is an entry in ClinVar:

ClinVar aggregate classification (germline): Likely benign. Review status: criteria provided, multiple submitters, no conflicts (2 of 4 stars). 4 submissions from 4 submitters: Likely benign (3). 1 of the submissions does not count toward it. Last evaluated 2024-10-22.

Conditions:
SF3B4-related disorder. Also called: SF3B4-related condition.

Allele frequency attached by ClinVar (database versions not stated): TOPMed 0.00013; ESP Exome Variant Server 0.00015; 1000 Genomes Project 30x 0.00047; 1000 Genomes Project 0.00060.
gnomAD v4.1: 299 of 1,614,200 alleles (0.019%); highest among the groups gnomAD compares: Middle Eastern, 0.18%; no homozygotes.

Submissions (4):

Blueprint Genetics
Classification: Likely benign. Last evaluated: 2024-10-22. Review status: criteria provided, single submitter. Criteria: ACMG Guidelines, 2015. Collection method: clinical testing. Allele origin: germline.

Labcorp Genetics (formerly Invitae), Labcorp
Classification: Likely benign. Last evaluated: 2023-07-13. Review status: criteria provided, single submitter. Criteria: Invitae Variant Classification Sherloc (09022015). Collection method: clinical testing. Allele origin: germline.

CeGaT Center for Human Genetics Tuebingen
Classification: Likely benign. Last evaluated: 2020-12-01. Review status: criteria provided, single submitter. Criteria: CeGaT Center For Human Genetics Tuebingen Variant Classification Criteria Version 2. Collection method: clinical testing. Allele origin: germline. Affected: yes. Observed: 1 variant allele.

PreventionGenetics, part of Exact Sciences
Classification: Likely benign for SF3B4-related condition. Last evaluated: 2024-04-17. Review status: no assertion criteria provided. Collection method: clinical testing. Allele origin: germline. Not counted in ClinVar's aggregate classification.
Comment: This variant is classified as likely benign based on ACMG/AMP sequence variant interpretation guidelines (Richards et al. 2015 PMID: 25741868, with internal and published modifications).

NM_005850.5(SF3B4):c.519C>G (p.Thr173=)

Gene: SF3B4 (splicing factor 3b subunit 4; minus strand). Cytogenetic location: 1q21.2.
Variant type: single nucleotide variant.
Coding change: c.519C>G on transcript NM_005850.5 (MANE Select); coding-DNA position 519, C replaced by G.
Protein change: p.Thr173=; no amino-acid change (threonine 173 retained).
Molecular consequence: synonymous variant.
Genome position (GRCh38, 1-based): chr1:149,926,563, G>C on the plus strand (C>G on the coding strand, the complement: SF3B4 is on the minus strand). VCF-style: chr1-149926563-G-C. GRCh37 (hg19) VCF-style: chr1-149898455-G-C.
Other names: c.519C>G (NM_005850.4).
Identifiers: ClinVar variation 1013528 (VCV001013528.44), dbSNP rs143105666, ClinGen allele CA1071509.
Genomic context (GRCh38, chr1:149,926,563, plus strand): 5'-TCGTTCGGCTGCTGAGCCATGGCGCTCACCCTTGGAGTCCTTCTTGAAGGCATAAGATAC[G>C]GTGATAGGACGGTTACAGAGGTACTGCCCATTCATGGCTTCAATTGCTGCATCCGAAGCA-3'
Protein context (NP_005841.1, residues 163-183): NGQYLCNRPI[Thr173=]VSYAFKKDSK